The following is an entry in ClinVar:

NM_177438.3(DICER1):c.444C>T (p.Leu148=)

Gene: DICER1 (dicer 1, ribonuclease III; minus strand). Cytogenetic location: 14q32.13.
Variant type: single nucleotide variant.
Coding change: c.444C>T on transcript NM_177438.3 (MANE Select); coding-DNA position 444, C replaced by T.
Protein change: p.Leu148=; no amino-acid change (leucine 148 retained).
Molecular consequence: synonymous variant.
Genome position (GRCh38, 1-based): chr14:95,130,187, G>A on the plus strand (C>T on the coding strand, the complement: DICER1 is on the minus strand). VCF-style: chr14-95130187-G-A. GRCh37 (hg19) VCF-style: chr14-95596524-G-A.
Other names: c.444C>T, p.Leu148= (NM_001195573.1, NM_001271282.3, NM_001291628.2 and 1 more transcripts).
Identifiers: ClinVar variation 543661 (VCV000543661.18), dbSNP rs749119946, ClinGen allele CA7331657.

ClinVar aggregate classification (germline): Benign/Likely benign. Review status: criteria provided, multiple submitters, no conflicts (2 of 4 stars). 3 submissions from 3 submitters: Benign (1); Likely benign (2). Last evaluated 2026-04-15.

Conditions:
DICER1-related tumor predisposition. Also called: DICER1-related pleuropulmonary blastoma cancer predisposition syndrome; DICER1 syndrome. Identifiers: Orphanet 284343, MedGen C3839822, MONDO:0100216.
Hereditary cancer-predisposing syndrome. Also called: Neoplastic Syndromes, Hereditary; Hereditary Cancer Syndrome; Hereditary neoplastic syndrome; Tumor predisposition. Identifiers: Orphanet 140162, MedGen C0027672, MeSH D009386, MONDO:0015356.

Allele frequency attached by ClinVar (database versions not stated): TOPMed 0.00002; ExAC 0.00001; gnomAD 0.00001 and 0.00002; gnomAD exomes 0.00001.

Submissions (3):

Myriad Genetics, Inc.
Classification: Benign for DICER1-related tumor predisposition. Last evaluated: 2026-04-15. Review status: criteria provided, single submitter. Criteria: Myriad Autosomal Dominant, Autosomal Recessive and X-Linked Classification Criteria (2023). Collection method: clinical testing. Allele origin: unknown.
Comment: This variant is considered benign. This variant is a silent/synonymous amino acid change and it is not expected to impact splicing.

Labcorp Genetics (formerly Invitae), Labcorp
Classification: Likely benign for DICER1-related tumor predisposition. Last evaluated: 2025-11-21. Review status: criteria provided, single submitter. Criteria: Invitae Variant Classification Sherloc (09022015). Collection method: clinical testing. Allele origin: germline.

Ambry Genetics
Classification: Likely benign for Hereditary cancer-predisposing syndrome. Last evaluated: 2019-08-22. Review status: criteria provided, single submitter. Criteria: Ambry Variant Classification Scheme 2023. Collection method: clinical testing. Allele origin: germline.